The following is an entry in ClinVar:

NM_000719.7(CACNA1C):c.3256A>G (p.Ile1086Val)

Gene: CACNA1C (calcium voltage-gated channel subunit alpha1 C; plus strand). Cytogenetic location: 12p13.33.
Variant type: single nucleotide variant.
Coding change: c.3256A>G on transcript NM_000719.7 (MANE Select); coding-DNA position 3256, A replaced by G.
Protein change: p.Ile1086Val; replaces isoleucine 1086 with valine.
Molecular consequence: missense variant.
Genome position (GRCh38, 1-based): chr12:2,607,030, A>G. VCF-style: chr12-2607030-A-G. GRCh37 (hg19) VCF-style: chr12-2716196-A-G.
Other names: c.3316A>G, p.Ile1106Val (NM_001129827.2, NM_001129832.2, NM_199460.4); c.3256A>G, p.Ile1086Val (NM_001129829.2, NM_001129830.3, NM_001129831.2 and 15 more transcripts); c.3247A>G, p.Ile1083Val (NM_001129844.2); short protein forms I1083V, I1086V, I1106V.
Identifiers: ClinVar variation 5008964 (VCV005008964.1).

ClinVar aggregate classification (germline): Uncertain significance (1 of 4 stars; one submission).

Submission:

GeneDx
Classification: Uncertain significance. Last evaluated: 2026-03-10. Review status: criteria provided, single submitter. Criteria: GeneDx Variant Classification Process June 2021. Collection method: clinical testing. Allele origin: germline.
Comment: Not observed at significant frequency in large population cohorts (gnomAD); In silico analysis suggests that this missense variant does not alter protein structure/function; Has not been previously published as pathogenic or benign to our knowledge